The following is an entry in ClinVar:

ClinVar aggregate classification (germline): Pathogenic (1 of 4 stars; one submission).

Conditions:
Oculocutaneous albinism type 3 (OCA3). Also called: Albinism, oculocutaneous, type III; Rufous OCA; Rufous albinism; ALBINISM III; RUFOUS OCULOCUTANEOUS ALBINISM; XANTHISM. Identifiers: Orphanet 79433, MedGen C0342683, MONDO:0008747, OMIM 203290.
MELANESIAN BLOND HAIR (SHEP11). Also called: Skin/hair/eye pigmentation, variation in, 11; SKIN/HAIR/EYE PIGMENTATION 11, BLUE/NONBLUE EYES. Identifiers: MedGen C2677086, OMIM 612271.

Submission:

Laboratory of Genetic Epidemiology, Research Centre for Medical Genetics
Classification: Pathogenic for MELANESIAN BLOND HAIR; Oculocutaneous albinism type 3. Last evaluated: 2025-01-01. Review status: criteria provided, single submitter. Criteria: ACMG Guidelines, 2015. Collection method: clinical testing. Allele origin: unknown. Inheritance: Autosomal recessive inheritance. Affected: yes. Observed: 1 heterozygote.
Comment: The variant is not listed in gnomAD v3.1.2. The variant leads to affect acceptor splicing site (acceptor loss with score 0.86 by SpliceAi predictor). This variant has not been previously reported in the literature and is not listed in gnomAD v2.1.1. NM_000550.3:c.1525G>T, p.(Glu509Ter). Taken together, the variant meets the following ACMG/AMP criteria and can be classified as pathogenic with PM2, PVS1, PM3, PP4 criteria.

Literature cited by the submitters: PubMed 41428507.

NM_000550.3(TYRP1):c.1262-1G>C

Genes: LURAP1L-AS1 (LURAP1L antisense RNA 1; minus strand), TYRP1 (tyrosinase related protein 1; plus strand). Cytogenetic location: 9p23.
Variant type: single nucleotide variant.
Coding change: c.1262-1G>C on transcript NM_000550.3 (MANE Select); the canonical splice acceptor site of the intron before coding-DNA position 1262, G replaced by C.
Molecular consequence: splice acceptor variant.
Genome position (GRCh38, 1-based): chr9:12,707,996, G>C. VCF-style: chr9-12707996-G-C. GRCh37 (hg19) VCF-style: chr9-12707996-G-C.
Identifiers: ClinVar variation 4077125 (VCV004077125.1).